The following is an entry in ClinVar:

ClinVar aggregate classification (germline): Uncertain significance (1 of 4 stars; one submission).

Conditions:
Autosomal dominant limb-girdle muscular dystrophy type 1D (DNAJB6) (LGMDD1). Also called: MUSCULAR DYSTROPHY, LIMB-GIRDLE, TYPE 1D; MUSCULAR DYSTROPHY, AUTOSOMAL DOMINANT, WITH RIMMED VACUOLES; Autosomal dominant limb-girdle muscular dystrophy type 1D; Muscular dystrophy, limb-girdle, autosomal dominant 1. Identifiers: Orphanet 34516, MedGen C4721885, MONDO:0021018, OMIM 603511.

Allele frequency attached by ClinVar (database versions not stated): gnomAD exomes below 0.00001 and 0.00002; ExAC 0.00002.
gnomAD v4.1: 4 of 1,610,298 alleles (0.00025%); highest among the groups gnomAD compares: Admixed American, 0.0067%; no homozygotes.

Submission:

Labcorp Genetics (formerly Invitae), Labcorp
Classification: Uncertain significance for Autosomal dominant limb-girdle muscular dystrophy type 1D (DNAJB6). Last evaluated: 2025-06-23. Review status: criteria provided, single submitter. Criteria: Invitae Variant Classification Sherloc (09022015). Collection method: clinical testing. Allele origin: germline.
Comment: This sequence change replaces lysine, which is basic and polar, with arginine, which is basic and polar, at codon 21 of the DNAJB6 protein (p.Lys21Arg). This variant is present in population databases (rs773834593, gnomAD 0.01%). This variant has not been reported in the literature in individuals affected with DNAJB6-related conditions. ClinVar contains an entry for this variant (Variation ID: 1353506). Invitae Evidence Modeling of protein sequence and biophysical properties (such as structural, functional, and spatial information, amino acid conservation, physicochemical variation, residue mobility, and thermodynamic stability) indicates that this missense variant is not expected to disrupt DNAJB6 protein function with a negative predictive value of 80%. In summary, the available evidence is currently insufficient to determine the role of this variant in disease. Therefore, it has been classified as a Variant of Uncertain Significance.

NM_058246.4(DNAJB6):c.62A>G (p.Lys21Arg)

Gene: DNAJB6 (DnaJ heat shock protein family (Hsp40) member B6; plus strand). Cytogenetic location: 7q36.3.
Variant type: single nucleotide variant.
Coding change: c.62A>G on transcript NM_058246.4 (MANE Select); coding-DNA position 62, A replaced by G.
Protein change: p.Lys21Arg; replaces lysine 21 with arginine.
Molecular consequence: missense variant.
Genome position (GRCh38, 1-based): chr7:157,358,634, A>G. VCF-style: chr7-157358634-A-G. GRCh37 (hg19) VCF-style: chr7-157151328-A-G.
Other names: c.62A>G, p.Lys21Arg (NM_001363676.1, NM_005494.3); short protein forms K21R.
Identifiers: ClinVar variation 1353506 (VCV001353506.6), dbSNP rs773834593, ClinGen allele CA4590329.